The following is an entry in ClinVar:

NM_013447.4(ADGRE2):c.1477G>T (p.Gly493Cys)

Gene: ADGRE2 (adhesion G protein-coupled receptor E2; minus strand). Cytogenetic location: 19p13.12.
Variant type: single nucleotide variant.
Coding change: c.1477G>T on transcript NM_013447.4 (MANE Select); coding-DNA position 1477, G replaced by T.
Protein change: p.Gly493Cys; replaces glycine 493 with cysteine.
Molecular consequence: missense variant. On other transcripts: intron variant (1).
Genome position (GRCh38, 1-based): chr19:14,755,067, C>A on the plus strand (G>T on the coding strand, the complement: ADGRE2 is on the minus strand). VCF-style: chr19-14755067-C-A. GRCh37 (hg19) VCF-style: chr19-14865879-C-A.
Other names: c.1330G>T, p.Gly444Cys (NM_152916.2); c.1198G>T, p.Gly400Cys (NM_152917.2); c.1416+587G>T (NM_001271052.1); short protein forms G400C, G444C, G493C.
Identifiers: ClinVar variation 4871878 (VCV004871878.1).
Genomic context (GRCh38, chr19:14,755,067, plus strand): 5'-GGCAGATGGTGCTGGTGTCTCTGGTGCCTATTGTGCTGCAGCCTGTGGTGGCCCAGTGAC[C>A]ACATCCATTCTGGCCATGCTCCCAGAAGACACAGAGCACCTTCTGTCTCGGGATCACTGA-3'
Protein context (NP_038475.2, residues 483-503): VFWEHGQNGC[Gly493Cys]HWATTGCSTI

ClinVar aggregate classification (germline): Uncertain significance (1 of 4 stars; one submission).

Conditions:
Vibratory urticaria (VBU). Identifiers: MedGen C0157743, MONDO:0006618, OMIM 125630, HP:0410138.

gnomAD v4.1: 3 of 1,613,876 alleles (0.00019%); highest among the groups gnomAD compares: Non-Finnish European, 0.00025%; no homozygotes.

Submission:

Clinical Genetics Laboratory, Region Ostergotland
Classification: Uncertain significance for Vibratory urticaria. Last evaluated: 2026-03-03. Review status: criteria provided, single submitter. Criteria: ACMG Guidelines, 2015. Collection method: clinical testing. Allele origin: germline.
Comment: The variant is rare in population database (gnomAD v4.1.1). A different variant in the same amino acid (493) has previously been reported associated with vibratory urticaria (PMID:26841242). The following ACMG/AMP criteria were applied in classifying this variant as variant of uncertain significance: PM2, PM1, PP4

Literature cited by the submitters: PubMed 26841242.